The following is an entry in ClinVar:

NM_024741.3(ZNF408):c.1304G>A (p.Arg435Gln)

Gene: ZNF408 (zinc finger protein 408; plus strand). Cytogenetic location: 11p11.2.
Variant type: single nucleotide variant.
Coding change: c.1304G>A on transcript NM_024741.3 (MANE Select); coding-DNA position 1304, G replaced by A.
Protein change: p.Arg435Gln; replaces arginine 435 with glutamine.
Molecular consequence: missense variant.
Genome position (GRCh38, 1-based): chr11:46,705,004, G>A. VCF-style: chr11-46705004-G-A. GRCh37 (hg19) VCF-style: chr11-46726554-G-A.
Other names: c.1280G>A, p.Arg427Gln (NM_001184751.2); short protein forms R427Q, R435Q.
Identifiers: ClinVar variation 1054809 (VCV001054809.11), dbSNP rs185413257, ClinGen allele CA5966535.
Genomic context (GRCh38, chr11:46,705,004, plus strand): 5'-ACAAGGCCTATGGCACCCAGCGAGACCTCAAAGAGCACCAGGTGGTACATTCAGGTGCCC[G>A]GCCCTTTGCTTGTGACCAGTGTGGCAAGGCCTTTGCCCGCCGGCCCTCCCTGCGGCTGCA-3'
Protein context (NP_079017.1, residues 425-445): KEHQVVHSGA[Arg435Gln]PFACDQCGKA

ClinVar aggregate classification (germline): Uncertain significance. Review status: criteria provided, multiple submitters, no conflicts (2 of 4 stars). 3 submissions from 3 submitters: Uncertain significance (3). Last evaluated 2025-02-27.

Conditions:
Retinal dystrophy. Also called: Inherited retinal dystrophy. Identifiers: Orphanet 71862, MedGen C0854723, MeSH D058499, MONDO:0019118, HP:0000556.

Allele frequency attached by ClinVar (database versions not stated): gnomAD 0.00003 and 0.00005; gnomAD exomes 0.00007 and 0.00013; ExAC 0.00013; 1000 Genomes Project 0.00020; 1000 Genomes Project 30x 0.00031.

Submissions (3):

Labcorp Genetics (formerly Invitae), Labcorp
Classification: Uncertain significance. Last evaluated: 2025-02-27. Review status: criteria provided, single submitter. Criteria: Invitae Variant Classification Sherloc (09022015). Collection method: clinical testing. Allele origin: germline.
Comment: This sequence change replaces arginine, which is basic and polar, with glutamine, which is neutral and polar, at codon 435 of the ZNF408 protein (p.Arg435Gln). This variant is present in population databases (rs185413257, gnomAD 0.08%). This missense change has been observed in individual(s) with retinal degeneration (PMID: 29721947). ClinVar contains an entry for this variant (Variation ID: 1054809). An algorithm developed to predict the effect of missense changes on protein structure and function outputs the following: PolyPhen-2: "Probably Damaging". The glutamine amino acid residue is found in multiple mammalian species, which suggests that this missense change does not adversely affect protein function. In summary, the available evidence is currently insufficient to determine the role of this variant in disease. Therefore, it has been classified as a Variant of Uncertain Significance.

Blueprint Genetics
Classification: Uncertain significance. Last evaluated: 2024-09-23. Review status: criteria provided, single submitter. Criteria: ACMG Guidelines, 2015. Collection method: clinical testing. Allele origin: germline.

Dept Of Ophthalmology, Nagoya University
Classification: Uncertain significance for Retinal dystrophy. Last evaluated: 2023-10-01. Review status: criteria provided, single submitter. Criteria: Submitter's publication. Collection method: research. Allele origin: germline. Affected: yes.

Literature cited by the submitters: PubMed 29721947 (cited by Labcorp Genetics (formerly Invitae), Labcorp).